The following is an entry in ClinVar:

NM_182961.4(SYNE1):c.18161T>C (p.Met6054Thr)

Gene: SYNE1 (spectrin repeat containing nuclear envelope protein 1; minus strand). Cytogenetic location: 6q25.2.
Variant type: single nucleotide variant.
Coding change: c.18161T>C on transcript NM_182961.4 (MANE Select); coding-DNA position 18161, T replaced by C.
Protein change: p.Met6054Thr; replaces methionine 6054 with threonine.
Molecular consequence: missense variant.
Genome position (GRCh38, 1-based): chr6:152,284,024, A>G on the plus strand (T>C on the coding strand, the complement: SYNE1 is on the minus strand). VCF-style: chr6-152284024-A-G. GRCh37 (hg19) VCF-style: chr6-152605159-A-G.
Other names: c.17948T>C, p.Met5983Thr (NM_033071.5); short protein forms M5983T, M6054T.
Identifiers: ClinVar variation 1468535 (VCV001468535.8), dbSNP rs2153731962, ClinGen allele CA366097167.

ClinVar aggregate classification (germline): Uncertain significance (1 of 4 stars; one submission).

Conditions:
Autosomal recessive ataxia, Beauce type. Also called: SYNE1-Related Autosomal Recessive Cerebellar Ataxia; Spinocerebellar ataxia, autosomal recessive 8; ATAXIA, RECESSIVE, OF BEAUCE; SYNE1 Deficiency. Identifiers: Orphanet 88644, MedGen C1853116, MONDO:0012549, OMIM 610743.
Emery-Dreifuss muscular dystrophy 4, autosomal dominant (EDMD4). Also called: EMERY-DREIFUSS MUSCULAR DYSTROPHY 4 WITH VARIABLE FEATURES. Identifiers: Orphanet 261, MedGen C2751807, MONDO:0013071, OMIM 612998.

Submission:

Labcorp Genetics (formerly Invitae), Labcorp
Classification: Uncertain significance for Emery-Dreifuss muscular dystrophy 4, autosomal dominant; Autosomal recessive ataxia, Beauce type. Last evaluated: 2022-07-18. Review status: criteria provided, single submitter. Criteria: Invitae Variant Classification Sherloc (09022015). Collection method: clinical testing. Allele origin: germline.
Comment: In summary, the available evidence is currently insufficient to determine the role of this variant in disease. Therefore, it has been classified as a Variant of Uncertain Significance. Algorithms developed to predict the effect of missense changes on protein structure and function (SIFT, PolyPhen-2, Align-GVGD) all suggest that this variant is likely to be disruptive. ClinVar contains an entry for this variant (Variation ID: 1468535). This variant has not been reported in the literature in individuals affected with SYNE1-related conditions. This variant is not present in population databases (gnomAD no frequency). This sequence change replaces methionine, which is neutral and non-polar, with threonine, which is neutral and polar, at codon 5983 of the SYNE1 protein (p.Met5983Thr).